The following is an entry in ClinVar:

ClinVar aggregate classification (germline): Likely benign. Review status: criteria provided, multiple submitters, no conflicts (2 of 4 stars). 2 submissions from 2 submitters: Likely benign (2). Last evaluated 2025-07-30.

Conditions:
Dilated cardiomyopathy 1G (CMD1G). Identifiers: Orphanet 154, MedGen C1858763, MONDO:0011400, OMIM 604145.
Autosomal recessive limb-girdle muscular dystrophy type 2J (LGMDR10). Also called: Limb-girdle muscular dystrophy, type 2J; MUSCULAR DYSTROPHY, LIMB-GIRDLE, AUTOSOMAL RECESSIVE 10. Identifiers: Orphanet 140922, MedGen C1837342, MONDO:0012127, OMIM 608807.

Submissions (2):

Labcorp Genetics (formerly Invitae), Labcorp
Classification: Likely benign for Dilated cardiomyopathy 1G; Autosomal recessive limb-girdle muscular dystrophy type 2J. Last evaluated: 2025-07-30. Review status: criteria provided, single submitter. Criteria: Invitae Variant Classification Sherloc (09022015). Collection method: clinical testing. Allele origin: germline.

CeGaT Center for Human Genetics Tuebingen
Classification: Likely benign. Last evaluated: 2025-06-01. Review status: criteria provided, single submitter. Criteria: CeGaT Center For Human Genetics Tuebingen Variant Classification Criteria Version 2. Collection method: clinical testing. Allele origin: germline. Affected: yes. Observed: 1 variant allele.
Comment: TTN: PM2:Supporting, BP4, BP7

NM_001267550.2(TTN):c.16125A>G (p.Arg5375=)

Gene: TTN (titin; minus strand). Cytogenetic location: 2q31.2.
Variant type: single nucleotide variant.
Coding change: c.16125A>G on transcript NM_001267550.2 (MANE Select); coding-DNA position 16125, A replaced by G.
Protein change: p.Arg5375=; no amino-acid change (arginine 5375 retained).
Molecular consequence: synonymous variant. On other transcripts: intron variant (3).
Genome position (GRCh38, 1-based): chr2:178,733,051, T>C on the plus strand (A>G on the coding strand, the complement: TTN is on the minus strand). VCF-style: chr2-178733051-T-C. GRCh37 (hg19) VCF-style: chr2-179597778-T-C.
Other names: c.13657+5031A>G (NM_133432.3); c.15174A>G, p.Arg5058= (NM_001256850.1); c.12393A>G, p.Arg4131= (NM_133378.4); c.13282+5031A>G (NM_003319.4); c.13858+5031A>G (NM_133437.4).
Identifiers: ClinVar variation 2950507 (VCV002950507.11), dbSNP rs2530175147, ClinGen allele CA430294036.